The following is an entry in ClinVar:

ClinVar aggregate classification (germline): Pathogenic (1 of 4 stars; one submission).

Conditions:
Polycystic kidney disease, adult type (PKD1). Also called: Polycystic Kidney, Autosomal Dominant; Polycystic Kidney Disease 1, Autosomal Dominant; Polycystic kidney disease 1; Polycystic kidney disease 1, severe; POLYCYSTIC KIDNEY DISEASE 1 WITH OR WITHOUT POLYCYSTIC LIVER DISEASE; POLYCYSTIC KIDNEY DISEASE, ADULT, TYPE I. Identifiers: MedGen C3149841, MONDO:0008263, OMIM 173900.

Submission:

MGZ Medical Genetics Center
Classification: Pathogenic for Polycystic kidney disease, adult type. Last evaluated: 2022-07-27. Review status: criteria provided, single submitter. Criteria: ACMG Guidelines, 2015. Collection method: clinical testing. Allele origin: germline. Affected: yes. Observed: 1 variant allele.
Comment: ACMG criteria applied: PVS1, PM2_SUP, PP4

NM_001009944.3(PKD1):c.8427_8446dup (p.Leu2816fs)

Gene: PKD1 (polycystin 1, transient receptor potential channel interacting; minus strand). Cytogenetic location: 16p13.3.
Variant type: Duplication.
Coding change: c.8427_8446dup on transcript NM_001009944.3 (MANE Select); coding-DNA positions 8427 to 8446, 20 bases duplicated (CGAGGCTTTCAGCGGGGCCC).
Protein change: p.Leu2816fs; shifts the reading frame from leucine 2816.
Molecular consequence: frameshift variant.
Genome position (GRCh38, 1-based): chr16:2,103,611-2,103,630, GGGCCCCGCTGAAAGCCTCG duplicated on the plus strand (CGAGGCTTTCAGCGGGGCCC on the coding strand, the reverse complement: PKD1 is on the minus strand); duplicating any 20 consecutive bases within chr16:2,103,611-2,103,633 gives the same sequence; the c. name uses the placement nearest the transcript's 3' end. VCF-style (leftmost placement, unchanged base first): chr16-2103610-A-AGGGCCCCGCTGAAAGCCTCG. GRCh37 (hg19) VCF-style: chr16-2153611-A-AGGGCCCCGCTGAAAGCCTCG.
Other names: c.8427_8446dup, p.Leu2816fs (NM_000296.4); short protein forms L2816fs.
Identifiers: ClinVar variation 1709370 (VCV001709370.2), dbSNP rs2544744482, ClinGen allele CA2580090969.